The following is an entry in ClinVar:

ClinVar aggregate classification (germline): Conflicting classifications of pathogenicity. Review status: criteria provided, conflicting classifications (1 of 4 stars). 10 submissions from 8 submitters: Uncertain significance (4); Likely benign (2). 4 of the submissions do not count toward it. Last evaluated 2026-01-03.

Conditions:
Duchenne muscular dystrophy (DMD). Also called: Duchenne Muscular Dystrophy (DMD); MUSCULAR DYSTROPHY, PSEUDOHYPERTROPHIC PROGRESSIVE, DUCHENNE TYPE. Identifiers: Orphanet 98896, MedGen C0013264, MONDO:0010679, OMIM 310200.
Dilated cardiomyopathy 3B (CMD3B). Also called: CMD3B: DMD-Related Dilated Cardiomyopathy; CARDIOMYOPATHY, DILATED, X-LINKED; DMD-Associated Dilated Cardiomyopathy. Identifiers: Orphanet 154, MedGen C3668940, MONDO:0010542, OMIM 302045.
Dystrophin deficiency.
Cardiomyopathy (CMYO). Also called: Cardiomyopathies. Identifiers: Orphanet 167848, MedGen C0878544, MONDO:0004994, HP:0001638. Inheritance: Various modes of inheritance.
Becker muscular dystrophy (BMD). Also called: MUSCULAR DYSTROPHY, PSEUDOHYPERTROPHIC PROGRESSIVE, BECKER TYPE; Becker Muscular Dystrophy (BMD). Identifiers: Orphanet 98895, MedGen C0917713, MONDO:0010311, OMIM 300376.
Cardiovascular phenotype. Identifiers: MedGen CN230736.

Allele frequency attached by ClinVar (database versions not stated): TOPMed 0.00002; gnomAD exomes 0.00003 and 0.00005; ExAC 0.00004; gnomAD 0.00006 and 0.00008; ESP Exome Variant Server 0.00019.
gnomAD v4.1: 58 of 1,207,604 alleles (0.0048%); highest among the groups gnomAD compares: Non-Finnish European, 0.0064%; no homozygotes.

Submissions (10):

Labcorp Genetics (formerly Invitae), Labcorp
Classification: Likely benign for Duchenne muscular dystrophy. Last evaluated: 2026-01-03. Review status: criteria provided, single submitter. Criteria: Invitae Variant Classification Sherloc (09022015). Collection method: clinical testing. Allele origin: germline.

Women's Health and Genetics/Laboratory Corporation of America, LabCorp
Classification: Likely benign. Last evaluated: 2025-10-06. Review status: criteria provided, single submitter. Criteria: LabCorp Variant Classification Summary - May 2015. Collection method: clinical testing. Allele origin: germline.
Comment: Variant summary: DMD c.5489G>T (p.Arg1830Ile) results in a non-conservative amino acid change in the encoded protein sequence. Algorithms developed to predict the effect of missense changes on protein structure and function are either unavailable or do not agree on the potential impact of this missense change. The variant allele was found at a frequency of 4.8e-05 in 1207604 control chromosomes, including 14 hemizygotes. The observed variant frequency exceeds the estimated maximal expected allele frequency for disease-causing variants in DMD. c.5489G>T has been observed in at least one individual in whom there was clinical suspicion of Duchenne muscular dystrophy, without strong evidence of causality, and in an individual with an autism spectrum disorder (example: Nallamilli_2021, Jiang_2013). These report(s) do not provide unequivocal conclusions about association of the variant with Dystrophinopathies. To our knowledge, no experimental evidence demonstrating an impact on protein function has been reported. The following publications have been ascertained in the context of this evaluation (PMID: 23849776, 33644936). ClinVar contains an entry for this variant (Variation ID: 374948). Based on the evidence outlined above, the variant was classified as likely benign.

Ambry Genetics
Classification: Uncertain significance for Cardiovascular phenotype. Last evaluated: 2024-12-06. Review status: criteria provided, single submitter. Criteria: Ambry Variant Classification Scheme 2023. Collection method: clinical testing. Allele origin: germline.
Comment: The p.R1830I variant (also known as c.5489G>T), located in coding exon 39 of the DMD gene, results from a G to T substitution at nucleotide position 5489. The arginine at codon 1830 is replaced by isoleucine, an amino acid with similar properties. This variant was reported in an individual in a Duchenne muscular dystrophy cohort, but clinical details were limited (Nallamilli BRR et al. Hum Mutat, 2021 May;42:626-638). Based on data from gnomAD, the T allele has an overall frequency of 0.0044% (9/204351) total alleles studied, with 2 hemizygote(s) observed. The highest observed frequency was 0.0098% (9/92165) of European (non-Finnish) alleles. This amino acid position is well conserved in available vertebrate species. In addition, the in silico prediction for this alteration is inconclusive. Based on the available evidence, the clinical significance of this variant remains unclear.

Mayo Clinic Laboratories, Mayo Clinic
Classification: Uncertain significance. Last evaluated: 2020-12-03. Review status: criteria provided, single submitter. Criteria: ACMG Guidelines, 2015. Collection method: clinical testing. Allele origin: germline. Observed: 1 variant allele.

GeneDx
Classification: Uncertain significance. Last evaluated: 2020-03-30. Review status: criteria provided, single submitter. Criteria: GeneDx Variant Classification Process June 2021. Collection method: clinical testing. Allele origin: germline. Affected: yes.
Comment: Reported in ClinVar as a variant of uncertain significance (ClinVar Variant ID# 374948; Landrum et al., 2016); In silico analysis supports that this missense variant has a deleterious effect on protein structure/function; This variant is associated with the following publications: (PMID: 23849776)

CeGaT Center for Human Genetics Tuebingen
Classification: Uncertain significance. Last evaluated: 2017-02-01. Review status: criteria provided, single submitter. Criteria: CeGaT Center For Human Genetics Tuebingen Variant Classification Criteria Version 2. Collection method: clinical testing. Allele origin: germline. Affected: yes. Observed: 1 variant allele.

Natera, Inc.
Classification: Uncertain significance for Becker muscular dystrophy; Cardiomyopathy; Duchenne muscular dystrophy; Dystrophin deficiency. Last evaluated: 2018-07-04. Review status: no assertion criteria provided. Collection method: clinical testing. Allele origin: germline. Not counted in ClinVar's aggregate classification.

Knight Diagnostic Laboratories, Oregon Health and Sciences University
Classification: Uncertain significance for Becker muscular dystrophy. Last evaluated: 2016-04-19. Review status: no assertion criteria provided. Criteria: ACMG Guidelines, 2015. Collection method: clinical testing. Allele origin: germline. Affected: no. Study: CSER-NextGen. Not counted in ClinVar's aggregate classification.

Knight Diagnostic Laboratories, Oregon Health and Sciences University
Classification: Uncertain significance for Dilated cardiomyopathy 3B. Last evaluated: 2016-04-19. Review status: no assertion criteria provided. Criteria: ACMG Guidelines, 2015. Collection method: clinical testing. Allele origin: germline. Affected: no. Study: CSER-NextGen. Not counted in ClinVar's aggregate classification.

Knight Diagnostic Laboratories, Oregon Health and Sciences University
Classification: Uncertain significance for Duchenne muscular dystrophy. Last evaluated: 2016-04-19. Review status: no assertion criteria provided. Criteria: ACMG Guidelines, 2015. Collection method: clinical testing. Allele origin: germline. Affected: no. Study: CSER-NextGen. Not counted in ClinVar's aggregate classification.

Literature cited by the submitters: PubMed 33644936 (cited by Women's Health and Genetics/Laboratory Corporation of America, LabCorp and Ambry Genetics); PubMed 23849776 (cited by Women's Health and Genetics/Laboratory Corporation of America, LabCorp).

NM_004006.3(DMD):c.5489G>T (p.Arg1830Ile)

Gene: DMD (dystrophin; minus strand). Cytogenetic location: Xp21.1.
Variant type: single nucleotide variant.
Coding change: c.5489G>T on transcript NM_004006.3 (MANE Select); coding-DNA position 5489, G replaced by T.
Protein change: p.Arg1830Ile; replaces arginine 1830 with isoleucine.
Molecular consequence: missense variant.
Genome position (GRCh38, 1-based): chrX:32,346,040, C>A on the plus strand (G>T on the coding strand, the complement: DMD is on the minus strand). VCF-style: chrX-32346040-C-A. GRCh37 (hg19) VCF-style: chrX-32364157-C-A.
Other names: c.5465G>T, p.Arg1822Ile (NM_000109.4); c.5477G>T, p.Arg1826Ile (NM_004009.3); c.5120G>T, p.Arg1707Ile (NM_004010.3); c.1466G>T, p.Arg489Ile (NM_004011.4); c.1457G>T, p.Arg486Ile (NM_004012.4); short protein forms R1822I, R1830I, R486I, R1826I, R489I, R1707I.
Identifiers: ClinVar variation 374948 (VCV000374948.60), dbSNP rs369055628, ClinGen allele CA10378670.